The following is an entry in ClinVar:

NC_000017.11:g.(?_31248964)_(31352434_?)dup

Genes: EVI2A (ecotropic viral integration site 2A; minus strand), EVI2B (ecotropic viral integration site 2B; minus strand), NF1 (neurofibromin 1; plus strand), OMG (oligodendrocyte myelin glycoprotein; minus strand). Cytogenetic location: 17q11.2.
Variant type: Duplication.
Identifiers: ClinVar variation 833381 (VCV000833381.1).

ClinVar aggregate classification (germline): Likely pathogenic (1 of 4 stars; one submission).

Conditions:
Neurofibromatosis, type 1 (NF1). Also called: Peripheral type neurofibromatosis; Neurofibromatosis, type I; VON RECKLINGHAUSEN DISEASE; NEUROFIBROMATOSIS, TYPE I, SOMATIC. Identifiers: Orphanet 636, MedGen C0027831, MONDO:0018975, OMIM 162200. Disease mechanism: loss of function.

Submission:

Labcorp Genetics (formerly Invitae), Labcorp
Classification: Likely pathogenic for Neurofibromatosis, type 1. Last evaluated: 2019-04-21. Review status: criteria provided, single submitter. Criteria: Invitae Variant Classification Sherloc (09022015). Collection method: clinical testing. Allele origin: germline.
Comment: This variant results in a copy number gain of the genomic region encompassing exons 30-50 of the NF1 gene. While the exact position of this variant cannot be determined from this data, sub-genic copy number gains are generally in tandem (PMID: 25640679) and may result in an absent or disrupted protein product. This variant has not been reported in the literature in individuals with NF1-related conditions. Loss-of-function variants in NF1 are known to be pathogenic (PMID: 10712197, 23913538). In summary, the currently available evidence indicates that the variant is pathogenic, but additional data are needed to prove that conclusively. Therefore, this variant has been classified as Likely Pathogenic.